The following is an entry in ClinVar:

ClinVar aggregate classification (germline): Uncertain significance. Review status: criteria provided, multiple submitters, no conflicts (2 of 4 stars). 4 submissions from 4 submitters: Uncertain significance (4). Last evaluated 2025-08-21.

Conditions:
Tumoral calcinosis, hyperphosphatemic, familial, 3. Identifiers: MedGen C4693864, MONDO:0060715, OMIM 617994.

Allele frequency attached by ClinVar (database versions not stated): gnomAD 0.00011; gnomAD exomes 0.00014 and 0.00020; TOPMed 0.00014; 1000 Genomes Project 30x 0.00016; 1000 Genomes Project 0.00020; ExAC 0.00037.
gnomAD v4.1: 219 of 1,611,310 alleles (0.014%); highest among the groups gnomAD compares: Non-Finnish European, 0.017%; no homozygotes.

Submissions (4):

Labcorp Genetics (formerly Invitae), Labcorp
Classification: Uncertain significance. Last evaluated: 2025-08-21. Review status: criteria provided, single submitter. Criteria: Invitae Variant Classification Sherloc (09022015). Collection method: clinical testing. Allele origin: germline.
Comment: This sequence change replaces asparagine, which is neutral and polar, with serine, which is neutral and polar, at codon 159 of the KL protein (p.Asn159Ser). This variant is present in population databases (rs200218010, gnomAD 0.04%). This variant has not been reported in the literature in individuals affected with KL-related conditions. ClinVar contains an entry for this variant (Variation ID: 311683). Invitae Evidence Modeling of protein sequence and biophysical properties (such as structural, functional, and spatial information, amino acid conservation, physicochemical variation, residue mobility, and thermodynamic stability) indicates that this missense variant is not expected to disrupt KL protein function with a negative predictive value of 80%. In summary, the available evidence is currently insufficient to determine the role of this variant in disease. Therefore, it has been classified as a Variant of Uncertain Significance.

Ambry Genetics
Classification: Uncertain significance. Last evaluated: 2025-02-08. Review status: criteria provided, single submitter. Criteria: Ambry Variant Classification Scheme 2023. Collection method: clinical testing. Allele origin: germline.

Mayo Clinic Laboratories, Mayo Clinic
Classification: Uncertain significance. Last evaluated: 2024-06-06. Review status: criteria provided, single submitter. Criteria: ACMG Guidelines, 2015. Collection method: clinical testing. Allele origin: germline. Observed: 1 variant allele.
Comment: BP4

Illumina Laboratory Services, Illumina
Classification: Uncertain significance for Tumoral calcinosis, hyperphosphatemic, familial, 3. Last evaluated: 2018-01-12. Review status: criteria provided, single submitter. Criteria: ICSL Variant Classification Criteria 13 December 2019. Collection method: clinical testing. Allele origin: germline.

NM_004795.4(KL):c.476A>G (p.Asn159Ser)

Gene: KL (klotho; plus strand). Cytogenetic location: 13q13.1.
Variant type: single nucleotide variant.
Coding change: c.476A>G on transcript NM_004795.4 (MANE Select); coding-DNA position 476, A replaced by G.
Protein change: p.Asn159Ser; replaces asparagine 159 with serine.
Molecular consequence: missense variant.
Genome position (GRCh38, 1-based): chr13:33,016,916, A>G. VCF-style: chr13-33016916-A-G. GRCh37 (hg19) VCF-style: chr13-33591054-A-G.
Other names: p.Asn159Ser; short protein forms N159S.
Identifiers: ClinVar variation 311683 (VCV000311683.12), dbSNP rs200218010, ClinGen allele CA6943900.